The following is an entry in ClinVar:

ClinVar aggregate classification (germline): Uncertain significance (1 of 4 stars; one submission).

gnomAD v4.1: 1 of 1,610,870 alleles (0.000062%); highest among the groups gnomAD compares: South Asian, 0.0011%; no homozygotes.

Submission:

Labcorp Genetics (formerly Invitae), Labcorp
Classification: Uncertain significance. Last evaluated: 2024-07-22. Review status: criteria provided, single submitter. Criteria: Invitae Variant Classification Sherloc (09022015). Collection method: clinical testing. Allele origin: germline.
Comment: This sequence change replaces histidine, which is basic and polar, with arginine, which is basic and polar, at codon 166 of the TELO2 protein (p.His166Arg). This variant is not present in population databases (gnomAD no frequency). This variant has not been reported in the literature in individuals affected with TELO2-related conditions. Advanced modeling of protein sequence and biophysical properties (such as structural, functional, and spatial information, amino acid conservation, physicochemical variation, residue mobility, and thermodynamic stability) performed at Invitae indicates that this missense variant is not expected to disrupt TELO2 protein function with a negative predictive value of 80%. In summary, the available evidence is currently insufficient to determine the role of this variant in disease. Therefore, it has been classified as a Variant of Uncertain Significance.

NM_016111.4(TELO2):c.497A>G (p.His166Arg)

Gene: TELO2 (telomere maintenance 2; plus strand). Cytogenetic location: 16p13.3.
Variant type: single nucleotide variant.
Coding change: c.497A>G on transcript NM_016111.4 (MANE Select); coding-DNA position 497, A replaced by G.
Protein change: p.His166Arg; replaces histidine 166 with arginine.
Molecular consequence: missense variant.
Genome position (GRCh38, 1-based): chr16:1,495,507, A>G. VCF-style: chr16-1495507-A-G. GRCh37 (hg19) VCF-style: chr16-1545508-A-G.
Other names: c.497A>G, p.His166Arg (NM_001351846.2); short protein forms H166R.
Identifiers: ClinVar variation 3660170 (VCV003660170.2).
Genomic context (GRCh38, chr16:1,495,507, plus strand): 5'-AGCCCGGCTTCATCCTGCTCCGGGAGACGCTGCTGGGCAAGGTGGTGGCCCTGCCCGATC[A>G]CCTGGGCAACCGCCTGCAGCAGGAGAACTTGGCCGAGTTCTTCCCCCAGAACTACTTCCG-3'
Protein context (NP_057195.2, residues 156-176): LLGKVVALPD[His166Arg]LGNRLQQENL